The following is an entry in ClinVar:

ClinVar aggregate classification (germline): Uncertain significance (1 of 4 stars; one submission).

Conditions:
Pituitary hormone deficiency, combined, 6. Identifiers: MedGen C3151440, MONDO:0013518, OMIM 613986.
Syndromic microphthalmia type 5 (MCOPS5). Also called: RETINAL DYSTROPHY, EARLY-ONSET, WITH PITUITARY DYSFUNCTION; RETINAL DYSTROPHY, EARLY-ONSET, WITHOUT PITUITARY DYSFUNCTION. Identifiers: Orphanet 178364, MedGen C1864690, MONDO:0012413, OMIM 610125.

Submission:

Juno Genomics, Hangzhou Juno Genomics, Inc
Classification: Uncertain significance for Syndromic microphthalmia type 5; Pituitary hormone deficiency, combined, 6. Review status: criteria provided, single submitter. Criteria: ACMG Guidelines, 2015. Collection method: clinical testing. Allele origin: germline.
Comment: Null variant in a gene where loss of function (LOF) is a known mechanism of disease.;Absent from controls (or at extremely low frequency if recessive) in Genome Aggregation Database.

NM_021728.4(OTX2):c.364A>T (p.Lys122Ter)

Gene: OTX2 (orthodenticle homeobox 2; minus strand). Cytogenetic location: 14q22.3.
Variant type: single nucleotide variant.
Coding change: c.364A>T on transcript NM_021728.4 (MANE Select); coding-DNA position 364, A replaced by T.
Protein change: p.Lys122Ter; replaces lysine 122 with a stop codon.
Molecular consequence: nonsense. On other transcripts: non-coding transcript variant (2).
Genome position (GRCh38, 1-based): chr14:56,802,265, T>A on the plus strand (A>T on the coding strand, the complement: OTX2 is on the minus strand). VCF-style: chr14-56802265-T-A. GRCh37 (hg19) VCF-style: chr14-57268983-T-A.
Other names: c.340A>T, p.Lys114Ter (NM_001270523.2, NM_001270524.2, NM_172337.3); c.364A>T, p.Lys122Ter (NM_001270525.2); short protein forms K122*, K114*.
Identifiers: ClinVar variation 5005328 (VCV005005328.2).